The following is an entry in ClinVar:

ClinVar aggregate classification (germline): Benign/Likely benign. Review status: criteria provided, multiple submitters, no conflicts (2 of 4 stars). 7 submissions from 7 submitters: Benign (1); Likely benign (5). 1 of the submissions does not count toward it. Last evaluated 2026-01-25.

Conditions:
CDH1-related disorder. Also called: CDH1-related condition.
Hereditary cancer-predisposing syndrome. Also called: Tumor predisposition; Neoplastic Syndromes, Hereditary; Hereditary Cancer Syndrome; Hereditary neoplastic syndrome. Identifiers: Orphanet 140162, MedGen C0027672, MeSH D009386, MONDO:0015356.
Hereditary diffuse gastric adenocarcinoma (HDGC). Also called: DIFFUSE GASTRIC AND LOBULAR BREAST CANCER SYNDROME. Identifiers: Orphanet 26106, MedGen C1708349, MONDO:0007648, OMIM 137215.

Allele frequency attached by ClinVar (database versions not stated): gnomAD exomes below 0.00001; ExAC 0.00001; gnomAD 0.00001; TOPMed 0.00002.
gnomAD v4.1: 3 of 1,614,036 alleles (0.00019%); highest among the groups gnomAD compares: African/African-American, 0.004%; no homozygotes.

Submissions (7):

Labcorp Genetics (formerly Invitae), Labcorp
Classification: Likely benign for Hereditary diffuse gastric adenocarcinoma. Last evaluated: 2026-01-25. Review status: criteria provided, single submitter. Criteria: Invitae Variant Classification Sherloc (09022015). Collection method: clinical testing. Allele origin: germline.

Myriad Genetics, Inc.
Classification: Benign for Hereditary diffuse gastric adenocarcinoma. Last evaluated: 2024-09-18. Review status: criteria provided, single submitter. Criteria: Myriad Autosomal Dominant, Autosomal Recessive and X-Linked Classification Criteria (2023). Collection method: clinical testing. Allele origin: unknown.
Comment: This variant is considered benign. This variant is a silent/synonymous amino acid change and it is not expected to impact splicing.

Institute for Biomarker Research, Medical Diagnostic Laboratories, L.L.C.
Classification: Likely benign for Hereditary cancer-predisposing syndrome. Last evaluated: 2023-08-01. Review status: criteria provided, single submitter. Criteria: ACMG Guidelines, 2015. Collection method: clinical testing. Allele origin: germline.

Color Diagnostics, LLC DBA Color Health
Classification: Likely benign for Hereditary cancer-predisposing syndrome. Last evaluated: 2021-10-11. Review status: criteria provided, single submitter. Criteria: ACMG Guidelines, 2015. Collection method: clinical testing. Allele origin: germline.

Ambry Genetics
Classification: Likely benign for Hereditary cancer-predisposing syndrome. Last evaluated: 2019-06-09. Review status: criteria provided, single submitter. Criteria: Ambry Variant Classification Scheme 2023. Collection method: clinical testing. Allele origin: germline.

Quest Diagnostics Nichols Institute San Juan Capistrano
Classification: Likely benign. Last evaluated: 2019-04-24. Review status: criteria provided, single submitter. Criteria: Quest Diagnostics criteria. Collection method: clinical testing. Allele origin: germline.

PreventionGenetics, part of Exact Sciences
Classification: Likely benign for CDH1-related condition. Last evaluated: 2022-05-31. Review status: no assertion criteria provided. Collection method: clinical testing. Allele origin: germline. Not counted in ClinVar's aggregate classification.
Comment: This variant is classified as likely benign based on ACMG/AMP sequence variant interpretation guidelines (Richards et al. 2015 PMID: 25741868, with internal and published modifications).

NM_004360.5(CDH1):c.1164G>A (p.Glu388=)

Gene: CDH1 (cadherin 1; plus strand). Cytogenetic location: 16q22.1.
Variant type: single nucleotide variant.
Coding change: c.1164G>A on transcript NM_004360.5 (MANE Select); coding-DNA position 1164, G replaced by A.
Protein change: p.Glu388=; no amino-acid change (glutamic acid 388 retained).
Molecular consequence: synonymous variant. On other transcripts: 5 prime UTR variant (2), intron variant (1).
Genome position (GRCh38, 1-based): chr16:68,813,339, G>A. VCF-style: chr16-68813339-G-A. GRCh37 (hg19) VCF-style: chr16-68847242-G-A.
Other names: c.1164G>A (LRG_301t1); c.-452G>A (NM_001317185.2); c.-656G>A (NM_001317186.2); c.1137+1076G>A (NM_001317184.2).
Identifiers: ClinVar variation 414045 (VCV000414045.21), dbSNP rs774875972, ClinGen allele CA8130018.
Genomic context (GRCh38, chr16:68,813,339, plus strand): 5'-TACTTTGTAAATGACACATCTCTTTGCTCTGCAGTACAAGGGTCAGGTGCCTGAGAACGA[G>A]GCTAACGTCGTAATCACCACACTGAAAGTGACTGATGCTGATGCCCCCAATACCCCAGCG-3'
Protein context (NP_004351.1, residues 378-398): TTYKGQVPEN[Glu388=]ANVVITTLKV